The following is an entry in ClinVar:

ClinVar aggregate classification (germline): Uncertain significance. Review status: criteria provided, multiple submitters, no conflicts (2 of 4 stars). 2 submissions from 2 submitters: Uncertain significance (2). Last evaluated 2025-07-16.

Conditions:
Cardiovascular phenotype. Identifiers: MedGen CN230736.
Brugada syndrome 4 (BRGDA4). Identifiers: Orphanet 130, MedGen C2678477, MONDO:0012743, OMIM 611876.

gnomAD v4.1: 16 of 1,613,770 alleles (0.00099%); highest among the groups gnomAD compares: Admixed American, 0.0017%; no homozygotes.

Submissions (2):

Labcorp Genetics (formerly Invitae), Labcorp
Classification: Uncertain significance for Brugada syndrome 4. Last evaluated: 2025-07-16. Review status: criteria provided, single submitter. Criteria: Invitae Variant Classification Sherloc (09022015). Collection method: clinical testing. Allele origin: germline.
Comment: This sequence change replaces glutamic acid, which is acidic and polar, with lysine, which is basic and polar, at codon 539 of the CACNB2 protein (p.Glu539Lys). This variant is present in population databases (no rsID available, gnomAD 0.007%). This variant has not been reported in the literature in individuals affected with CACNB2-related conditions. ClinVar contains an entry for this variant (Variation ID: 1984124). An algorithm developed to predict the effect of missense changes on protein structure and function (PolyPhen-2) suggests that this variant is likely to be tolerated. In summary, the available evidence is currently insufficient to determine the role of this variant in disease. Therefore, it has been classified as a Variant of Uncertain Significance.

Ambry Genetics
Classification: Uncertain significance for Cardiovascular phenotype. Last evaluated: 2024-11-02. Review status: criteria provided, single submitter. Criteria: Ambry Variant Classification Scheme 2023. Collection method: clinical testing. Allele origin: germline.
Comment: The p.E539K variant (also known as c.1615G>A), located in coding exon 13 of the CACNB2 gene, results from a G to A substitution at nucleotide position 1615. The glutamic acid at codon 539 is replaced by lysine, an amino acid with similar properties. This amino acid position is conserved. In addition, this alteration is predicted to be tolerated by in silico analysis. Based on the available evidence, the clinical significance of this variant remains unclear.

NM_201596.3(CACNB2):c.1777G>A (p.Glu593Lys)

Gene: CACNB2 (calcium voltage-gated channel auxiliary subunit beta 2; plus strand). Cytogenetic location: 10p12.31.
Variant type: single nucleotide variant.
Coding change: c.1777G>A on transcript NM_201596.3 (MANE Select); coding-DNA position 1777, G replaced by A.
Protein change: p.Glu593Lys; replaces glutamic acid 593 with lysine.
Molecular consequence: missense variant.
Genome position (GRCh38, 1-based): chr10:18,539,518, G>A. VCF-style: chr10-18539518-G-A. GRCh37 (hg19) VCF-style: chr10-18828447-G-A.
Other names: c.1615G>A (NM_201590.2); c.1612G>A, p.Glu538Lys (NM_000724.4); c.1579G>A, p.Glu527Lys (NM_001167945.2); c.1498G>A, p.Glu500Lys (NM_001330060.2); c.1519G>A, p.Glu507Lys (NM_001410882.1); c.1633G>A, p.Glu545Lys (NM_201570.3); c.1693G>A, p.Glu565Lys (NM_201571.4); c.1621G>A, p.Glu541Lys (NM_201572.4); and 3 more; short protein forms E538K, E539K, E541K, E545K, E565K, E507K, E527K, E555K.
Identifiers: ClinVar variation 1984124 (VCV001984124.4), dbSNP rs903062527, ClinGen allele CA203167309.
Genomic context (GRCh38, chr10:18,539,518, plus strand): 5'-GATTATTCCCATGACCACGTGGACCACTATGCCTCACACCGTGACCACAACCACAGAGAC[G>A]AGACCCACGGGAGCAGTGACCACAGACACAGGGAGTCCCGGCACCGTTCCCGGGACGTGG-3'
Protein context (NP_963890.2, residues 583-603): ASHRDHNHRD[Glu593Lys]THGSSDHRHR